The following is an entry in ClinVar:

ClinVar aggregate classification (germline): Likely benign (1 of 4 stars; one submission).

Allele frequency attached by ClinVar (database versions not stated): gnomAD 0.00002; gnomAD exomes 0.00003; ExAC 0.00004; TOPMed 0.00005.

Submission:

CeGaT Center for Human Genetics Tuebingen
Classification: Likely benign. Last evaluated: 2022-07-01. Review status: criteria provided, single submitter. Criteria: CeGaT Center For Human Genetics Tuebingen Variant Classification Criteria Version 2. Collection method: clinical testing. Allele origin: germline. Affected: yes. Observed: 1 variant allele.
Comment: WWC3: BP4, BP7

NM_015691.5(WWC3):c.2964G>A (p.Ser988=)

Gene: WWC3 (WWC family member 3; plus strand). Cytogenetic location: Xp22.2.
Variant type: single nucleotide variant.
Coding change: c.2964G>A on transcript NM_015691.5; coding-DNA position 2964, G replaced by A.
Protein change: p.Ser988=; no amino-acid change (serine 988 retained).
Molecular consequence: synonymous variant.
Genome position (GRCh38, 1-based): chrX:10,130,112, G>A. VCF-style: chrX-10130112-G-A. GRCh37 (hg19) VCF-style: chrX-10098152-G-A.
Identifiers: ClinVar variation 2659969 (VCV002659969.24), dbSNP rs759830832, ClinGen allele CA10346767.